The following is an entry in ClinVar:

NM_001267550.2(TTN):c.52115del (p.Pro17372fs)

Genes: TTN (titin; minus strand), TTN-AS1 (TTN antisense RNA 1; plus strand). Cytogenetic location: 2q31.2.
Variant type: Deletion.
Coding change: c.52115del on transcript NM_001267550.2 (MANE Select); coding-DNA position 52115, one base deleted (C; older notation c.52115delC).
Protein change: p.Pro17372fs; shifts the reading frame from proline 17372.
Molecular consequence: frameshift variant.
Genome position (GRCh38, 1-based): chr2:178,608,896, G deleted on the plus strand (C on the coding strand, the reverse complement: TTN is on the minus strand); the first of 2 consecutive G bases (chr2:178,608,896-178,608,897); deleting either gives the same sequence. VCF-style (leftmost placement, unchanged base first): chr2-178608895-TG-T. GRCh37 (hg19) VCF-style: chr2-179473622-TG-T.
Other names: c.47192del, p.Pro15731fs (NM_001256850.1); c.24920del, p.Pro8307fs (NM_003319.4); c.44411del, p.Pro14804fs (NM_133378.4); c.25295del, p.Pro8432fs (NM_133432.3); c.25496del, p.Pro8499fs (NM_133437.4); short protein forms P17372fs, P8307fs, P15731fs, P8499fs, P14804fs, P8432fs.
Identifiers: ClinVar variation 4784207 (VCV004784207.1).

ClinVar aggregate classification (germline): Likely pathogenic (1 of 4 stars; one submission).

Conditions:
Dilated cardiomyopathy 1G (CMD1G). Identifiers: Orphanet 154, MedGen C1858763, MONDO:0011400, OMIM 604145.
Autosomal recessive limb-girdle muscular dystrophy type 2J (LGMDR10). Also called: Limb-girdle muscular dystrophy, type 2J; MUSCULAR DYSTROPHY, LIMB-GIRDLE, AUTOSOMAL RECESSIVE 10. Identifiers: Orphanet 140922, MedGen C1837342, MONDO:0012127, OMIM 608807.

Submission:

Labcorp Genetics (formerly Invitae), Labcorp
Classification: Likely pathogenic for Dilated cardiomyopathy 1G; Autosomal recessive limb-girdle muscular dystrophy type 2J. Last evaluated: 2025-06-27. Review status: criteria provided, single submitter. Criteria: Invitae Variant Classification Sherloc (09022015). Collection method: clinical testing. Allele origin: germline.
Comment: This sequence change creates a premature translational stop signal (p.Pro17372Hisfs*31) in the TTN gene. While this is not anticipated to result in nonsense mediated decay, it is expected to create a truncated TTN protein. This variant is not present in population databases (gnomAD no frequency). This variant has not been reported in the literature in individuals affected with TTN-related conditions. This variant is located in the A band of TTN (PMID: 25589632). Truncating variants in this region are significantly overrepresented in patients affected with dilated cardiomyopathy (PMID: 25589632). Truncating variants in this region have also been reported in individuals affected with autosomal recessive centronuclear myopathy (PMID: 23975875). In summary, the currently available evidence indicates that the variant is pathogenic, but additional data are needed to prove that conclusively. Therefore, this variant has been classified as Likely Pathogenic.

Literature cited by the submitters: PubMed 25589632; PubMed 23975875.